The following is an entry in ClinVar:

NM_145199.3(LIPT1):c.184A>G (p.Ile62Val)

Genes: LIPT1 (lipoyltransferase 1; plus strand), MITD1 (microtubule interacting and trafficking domain containing 1; minus strand). Cytogenetic location: 2q11.2.
Variant type: single nucleotide variant.
Coding change: c.184A>G on transcript NM_145199.3 (MANE Select); coding-DNA position 184, A replaced by G.
Protein change: p.Ile62Val; replaces isoleucine 62 with valine.
Molecular consequence: missense variant. On other transcripts: non-coding transcript variant (2).
Genome position (GRCh38, 1-based): chr2:99,162,141, A>G. VCF-style: chr2-99162141-A-G. GRCh37 (hg19) VCF-style: chr2-99778604-A-G.
Other names: c.184A>G, p.Ile62Val (NM_001204830.2, NM_015929.4, NM_145197.3 and 1 more transcripts); short protein forms I62V.
Identifiers: ClinVar variation 1437160 (VCV001437160.6), dbSNP rs774872860, ClinGen allele CA1797283.

ClinVar aggregate classification (germline): Uncertain significance (1 of 4 stars; one submission).

Allele frequency attached by ClinVar (database versions not stated): gnomAD exomes below 0.00001 and 0.00001; ExAC 0.00001; gnomAD 0.00001.
gnomAD v4.1: 8 of 1,614,010 alleles (0.0005%); highest among the groups gnomAD compares: Admixed American, 0.0067%; no homozygotes.

Submission:

Labcorp Genetics (formerly Invitae), Labcorp
Classification: Uncertain significance. Last evaluated: 2021-11-23. Review status: criteria provided, single submitter. Criteria: Invitae Variant Classification Sherloc (09022015). Collection method: clinical testing. Allele origin: germline.
Comment: This sequence change replaces isoleucine, which is neutral and non-polar, with valine, which is neutral and non-polar, at codon 62 of the LIPT1 protein (p.Ile62Val). This variant is present in population databases (rs774872860, gnomAD 0.009%). This variant has not been reported in the literature in individuals affected with LIPT1-related conditions. Algorithms developed to predict the effect of missense changes on protein structure and function output the following: SIFT: "Tolerated"; PolyPhen-2: "Benign"; Align-GVGD: "Class C0". The valine amino acid residue is found in multiple mammalian species, which suggests that this missense change does not adversely affect protein function. In summary, the available evidence is currently insufficient to determine the role of this variant in disease. Therefore, it has been classified as a Variant of Uncertain Significance.